The following is an entry in ClinVar:

ClinVar aggregate classification (germline): Uncertain significance (1 of 4 stars; one submission).

gnomAD v4.1: 1 of 1,613,646 alleles (0.000062%); highest among the groups gnomAD compares: East Asian, 0.0022%; no homozygotes.

Submission:

Labcorp Genetics (formerly Invitae), Labcorp
Classification: Uncertain significance. Last evaluated: 2025-02-24. Review status: criteria provided, single submitter. Criteria: Invitae Variant Classification Sherloc (09022015). Collection method: clinical testing. Allele origin: germline.
Comment: This sequence change replaces proline, which is neutral and non-polar, with threonine, which is neutral and polar, at codon 18 of the RIMS1 protein (p.Pro18Thr). This variant is not present in population databases (gnomAD no frequency). This variant has not been reported in the literature in individuals affected with RIMS1-related conditions. ClinVar contains an entry for this variant (Variation ID: 1000957). An algorithm developed to predict the effect of missense changes on protein structure and function (PolyPhen-2) suggests that this variant is likely to be disruptive. In summary, the available evidence is currently insufficient to determine the role of this variant in disease. Therefore, it has been classified as a Variant of Uncertain Significance.

NM_014989.7(RIMS1):c.52C>A (p.Pro18Thr)

Gene: RIMS1 (regulating synaptic membrane exocytosis 1; plus strand). Cytogenetic location: 6q13.
Variant type: single nucleotide variant.
Coding change: c.52C>A on transcript NM_014989.7 (MANE Select); coding-DNA position 52, C replaced by A.
Protein change: p.Pro18Thr; replaces proline 18 with threonine.
Molecular consequence: missense variant.
Genome position (GRCh38, 1-based): chr6:71,887,075, C>A. VCF-style: chr6-71887075-C-A. GRCh37 (hg19) VCF-style: chr6-72596778-C-A.
Other names: c.52C>A, p.Pro18Thr (NM_001350411.1, NM_001350412.1, NM_001350413.1); short protein forms P18T.
Identifiers: ClinVar variation 1000957 (VCV001000957.8), dbSNP rs980168624, ClinGen allele CA364817741.